The following is an entry in ClinVar:

NM_198129.4(LAMA3):c.9736+1G>A

Gene: LAMA3 (laminin subunit alpha 3; plus strand). Cytogenetic location: 18q11.2.
Variant type: single nucleotide variant.
Coding change: c.9736+1G>A on transcript NM_198129.4 (MANE Select); the canonical splice donor site of the intron after coding-DNA position 9736, G replaced by A.
Molecular consequence: splice donor variant.
Genome position (GRCh38, 1-based): chr18:23,951,778, G>A. VCF-style: chr18-23951778-G-A. GRCh37 (hg19) VCF-style: chr18-21531742-G-A.
Other names: c.9568+1G>A (NM_001127717.4); c.4909+1G>A (NM_000227.6); c.4741+1G>A (NM_001127718.4).
Identifiers: ClinVar variation 2500605 (VCV002500605.1), dbSNP rs1234435123, ClinGen allele CA402052726.
Genomic context (GRCh38, chr18:23,951,778, plus strand): 5'-CCTCAACGTCGGTCACACCAAAGCAGTCTCTGTGTGATGGACAGTGGCACTCGGTGGCAG[G>A]TATGTTGTCCAGTAGCTGATTGTTCATGCACTAAAACAGGCCCCCTTTCCATTTTGACTT-3'

ClinVar aggregate classification (germline): Pathogenic (1 of 4 stars; one submission).

Allele frequency attached by ClinVar (database versions not stated): gnomAD exomes below 0.00001.
gnomAD v4.1: 1 of 1,610,908 alleles (0.000062%); highest among the groups gnomAD compares: Non-Finnish European, 0.000085%; no homozygotes.

Submission:

GeneDx
Classification: Pathogenic. Last evaluated: 2023-04-28. Review status: criteria provided, single submitter. Criteria: GeneDx Variant Classification Process June 2021. Collection method: clinical testing. Allele origin: germline. Affected: yes.
Comment: Canonical splice site variant predicted to result in a null allele in a gene for which loss of function is a known mechanism of disease; Not observed at significant frequency in large population cohorts (gnomAD); This variant is associated with the following publications: (PMID: 35234826, 32222156)